The following is an entry in ClinVar:

NM_000038.6(APC):c.6371T>A (p.Leu2124Ter)

Gene: APC (APC regulator of Wnt signaling pathway; plus strand). Cytogenetic location: 5q22.2.
Variant type: single nucleotide variant.
Coding change: c.6371T>A on transcript NM_000038.6 (MANE Select); coding-DNA position 6371, T replaced by A.
Protein change: p.Leu2124Ter; replaces leucine 2124 with a stop codon.
Molecular consequence: nonsense.
Genome position (GRCh38, 1-based): chr5:112,841,965, T>A. VCF-style: chr5-112841965-T-A. GRCh37 (hg19) VCF-style: chr5-112177662-T-A.
Other names: c.6371T>A, p.Leu2124Ter (NM_001127510.3, NM_001354895.2); c.6317T>A, p.Leu2106Ter (NM_001127511.3); c.6425T>A, p.Leu2142Ter (NM_001354896.2); c.6401T>A, p.Leu2134Ter (NM_001354897.2); c.6296T>A, p.Leu2099Ter (NM_001354898.2); c.6287T>A, p.Leu2096Ter (NM_001354899.2); c.6248T>A, p.Leu2083Ter (NM_001354900.2); c.6194T>A, p.Leu2065Ter (NM_001354901.2); and 5 more; short protein forms L2106*, L2124*, L1998*, L2023*, L2065*, L1964*, L2083*, L2096*.
Identifiers: ClinVar variation 371855 (VCV000371855.14), dbSNP rs1057517568, ClinGen allele CA16035281.

ClinVar aggregate classification (germline): Pathogenic. Review status: criteria provided, multiple submitters, no conflicts (2 of 4 stars). 4 submissions from 4 submitters: Pathogenic (3). 1 of the submissions does not count toward it. Last evaluated 2023-02-14.

Conditions:
Hereditary cancer-predisposing syndrome. Also called: Tumor predisposition; Hereditary neoplastic syndrome; Neoplastic Syndromes, Hereditary; Hereditary Cancer Syndrome. Identifiers: Orphanet 140162, MedGen C0027672, MeSH D009386, MONDO:0015356.
Familial adenomatous polyposis 1 (FAP1). Also called: FAMILIAL ADENOMATOUS POLYPOSIS 1, ATTENUATED; POLYPOSIS, ADENOMATOUS INTESTINAL. Identifiers: MedGen C2713442, MONDO:0021056, OMIM 175100. Disease mechanism: loss of function.

Submissions (4):

Myriad Genetics, Inc.
Classification: Pathogenic for Familial adenomatous polyposis 1. Last evaluated: 2023-02-14. Review status: criteria provided, single submitter. Criteria: Myriad Autosomal Dominant, Autosomal Recessive and X-Linked Classification Criteria (2023). Collection method: clinical testing. Allele origin: unknown.
Comment: This variant is considered pathogenic. This variant creates a termination codon and is predicted to result in premature protein truncation.

Labcorp Genetics (formerly Invitae), Labcorp
Classification: Pathogenic for Familial adenomatous polyposis 1. Last evaluated: 2018-06-19. Review status: criteria provided, single submitter. Criteria: Invitae Variant Classification Sherloc (09022015). Collection method: clinical testing. Allele origin: germline.
Comment: A different truncation, c.7932_7935del (p.Tyr2645Lysfs*14), that lies downstream of this variant has been determined to be pathogenic (PMID: 9824584, 1316610, 27081525, 8381579, 22135120, Invitae). For these reasons, this variant has been classified as Pathogenic. This variant is expected to disrupt the EB1 and HDLG binding sites, which mediate interactions with the cytoskeleton (PMID: 15311282, 17293347). While functional studies have not been performed to directly test the effect on APC protein function, this suggests that disruption of the C-terminal portion of the protein is functionally important. This variant has been reported in an individual affected with familial adenomatous polyposis (PMID: 23159591). ClinVar contains an entry for this variant (Variation ID: 371855). This variant is not present in population databases (ExAC no frequency). This sequence change results in a premature translational stop signal in the APC gene (p.Leu2124*). While this is not anticipated to result in nonsense mediated decay, it is expected to delete the last 720 amino acids of the APC protein.

Ambry Genetics
Classification: Pathogenic for Hereditary cancer-predisposing syndrome. Last evaluated: 2015-11-06. Review status: criteria provided, single submitter. Criteria: Ambry Variant Classification Scheme 2023. Collection method: clinical testing. Allele origin: germline.
Comment: The p.L2124* pathogenic mutation (also known as c.6371T>A), located in coding exon 15 of the APC gene, results from a T to A substitution at nucleotide position 6371. This changes the amino acid from a leucine to a stop codon within coding exon 15. This truncating mutation was identified as pathogenic in a cohort of 1591 DNA samples being evaluated for FAP at the Mayo Clinic(Kerr SE et al. J Mol Diagn 2013 Jan; 15(1):31-43). In addition to the clinical data presented in the literature, this alteration is expected to result in loss of function by premature protein truncation or nonsense-mediated mRNA decay. As such, this alteration is interpreted as a disease-causing mutation.

Counsyl
Classification: Likely pathogenic for Familial adenomatous polyposis 1. Last evaluated: 2016-05-25. Review status: no assertion criteria provided. Collection method: clinical testing. Allele origin: unknown. Not counted in ClinVar's aggregate classification.

Literature cited by the submitters: PubMed 9824584 (cited by Labcorp Genetics (formerly Invitae), Labcorp); PubMed 1316610 (cited by Labcorp Genetics (formerly Invitae), Labcorp); PubMed 27081525 (cited by Labcorp Genetics (formerly Invitae), Labcorp); PubMed 8381579 (cited by Labcorp Genetics (formerly Invitae), Labcorp); PubMed 22135120 (cited by Labcorp Genetics (formerly Invitae), Labcorp); PubMed 15311282 (cited by Labcorp Genetics (formerly Invitae), Labcorp); PubMed 17293347 (cited by Labcorp Genetics (formerly Invitae), Labcorp); PubMed 23159591 (cited by 3 submitters).